The following is an entry in ClinVar:

NM_001273.5(CHD4):c.4979A>G (p.Lys1660Arg)

Genes: CHD4 (chromodomain helicase DNA binding protein 4; minus strand), CHD4-AS1 (CHD4 antisense RNA 1; plus strand). Cytogenetic location: 12p13.31.
Variant type: single nucleotide variant.
Coding change: c.4979A>G on transcript NM_001273.5 (MANE Select); coding-DNA position 4979, A replaced by G.
Protein change: p.Lys1660Arg; replaces lysine 1660 with arginine.
Molecular consequence: missense variant.
Genome position (GRCh38, 1-based): chr12:6,578,848, T>C on the plus strand (A>G on the coding strand, the complement: CHD4 is on the minus strand). VCF-style: chr12-6578848-T-C. GRCh37 (hg19) VCF-style: chr12-6688014-T-C.
Other names: c.4958A>G, p.Lys1653Arg (NM_001297553.2); c.4946A>G, p.Lys1649Arg (NM_001363606.2); short protein forms K1660R, K1653R, K1649R.
Identifiers: ClinVar variation 391103 (VCV000391103.2), dbSNP rs1057523969, ClinGen allele CA16606372.

ClinVar aggregate classification (germline): Uncertain significance (1 of 4 stars; one submission).

Allele frequency attached by ClinVar (database versions not stated): gnomAD exomes below 0.00001.
gnomAD v4.1: 1 of 1,614,148 alleles (0.000062%); highest among the groups gnomAD compares: Admixed American, 0.0017%; no homozygotes.

Submission:

GeneDx
Classification: Uncertain significance. Last evaluated: 2016-12-19. Review status: criteria provided, single submitter. Criteria: GeneDx Variant Classification (06012015). Collection method: clinical testing. Allele origin: germline. Affected: yes.
Comment: The K1660R variant in the CHD4 gene has not been reported previously as a pathogenic variant, nor as a benign variant, to our knowledge. The K1660R variant was not observed in approximately 6,500 individuals of European and African American ancestry in the NHLBI Exome Sequencing Project, indicating it is not a common benign variant in these populations. The K1660R variant is a conservative amino acid substitution, which is not likely to impact secondary protein structure as these residues share similar properties. This substitution occurs at a position that is conserved across species. In silico analysis is inconsistent in its predictions as to whether or not the variant is damaging to the protein structure/function. We interpret K1660R as a variant of uncertain significance.